The following is an entry in ClinVar:

NM_032294.3(CAMKK1):c.1182C>T (p.Pro394=)

Gene: CAMKK1 (calcium/calmodulin dependent protein kinase kinase 1; minus strand). Cytogenetic location: 17p13.2.
Variant type: single nucleotide variant.
Coding change: c.1182C>T on transcript NM_032294.3 (MANE Select); coding-DNA position 1182, C replaced by T.
Protein change: p.Pro394=; no amino-acid change (proline 394 retained).
Molecular consequence: synonymous variant.
Genome position (GRCh38, 1-based): chr17:3,869,831, G>A on the plus strand (C>T on the coding strand, the complement: CAMKK1 is on the minus strand). VCF-style: chr17-3869831-G-A. GRCh37 (hg19) VCF-style: chr17-3773125-G-A.
Other names: c.1263C>T, p.Pro421= (NM_172206.2); c.1296C>T, p.Pro432= (NM_172207.3).
Identifiers: ClinVar variation 2647242 (VCV002647242.24), dbSNP rs147240137, ClinGen allele CA8295402.

ClinVar aggregate classification (germline): Likely benign (1 of 4 stars; one submission).

Submission:

CeGaT Center for Human Genetics Tuebingen
Classification: Likely benign. Last evaluated: 2022-10-01. Review status: criteria provided, single submitter. Criteria: CeGaT Center For Human Genetics Tuebingen Variant Classification Criteria Version 2. Collection method: clinical testing. Allele origin: germline. Affected: yes. Observed: 1 variant allele.
Comment: CAMKK1: BP4, BP7